The following is an entry in ClinVar:

ClinVar aggregate classification (germline): Uncertain significance (1 of 4 stars; one submission).

Conditions:
Hyper-IgM syndrome type 1. Also called: Hyper-IgM Immunodeficiency Syndrome, Type 1; CD40 Ligand Deficiency; X-linked hyper-IgM syndrome; Immunodeficiency, X-linked, with hyper-IgM. Identifiers: Orphanet 101088, MedGen C0398689, MONDO:0010626, OMIM 308230.

Submission:

Labcorp Genetics (formerly Invitae), Labcorp
Classification: Uncertain significance for Hyper-IgM syndrome type 1. Last evaluated: 2024-11-27. Review status: criteria provided, single submitter. Criteria: Invitae Variant Classification Sherloc (09022015). Collection method: clinical testing. Allele origin: germline.
Comment: This sequence change replaces isoleucine, which is neutral and non-polar, with threonine, which is neutral and polar, at codon 98 of the CD40LG protein (p.Ile98Thr). This variant is not present in population databases (gnomAD no frequency). This variant has not been reported in the literature in individuals affected with CD40LG-related conditions. Invitae Evidence Modeling of protein sequence and biophysical properties (such as structural, functional, and spatial information, amino acid conservation, physicochemical variation, residue mobility, and thermodynamic stability) indicates that this missense variant is not expected to disrupt CD40LG protein function with a negative predictive value of 80%. In summary, the available evidence is currently insufficient to determine the role of this variant in disease. Therefore, it has been classified as a Variant of Uncertain Significance.

NM_000074.3(CD40LG):c.293T>C (p.Ile98Thr)

Gene: CD40LG (CD40 ligand; plus strand). Cytogenetic location: Xq26.3.
Variant type: single nucleotide variant.
Coding change: c.293T>C on transcript NM_000074.3 (MANE Select); coding-DNA position 293, T replaced by C.
Protein change: p.Ile98Thr; replaces isoleucine 98 with threonine.
Molecular consequence: missense variant.
Genome position (GRCh38, 1-based): chrX:136,654,377, T>C. VCF-style: chrX-136654377-T-C. GRCh37 (hg19) VCF-style: chrX-135736536-T-C.
Other names: short protein forms I98T.
Identifiers: ClinVar variation 3703500 (VCV003703500.2).
Genomic context (GRCh38, chrX:136,654,377, plus strand): 5'-AAACCCCACAGCAGAGCCCCTGTCAAAATGACCTCTTGCAATGCTTCTTATTTTAGGATA[T>C]AATGTTAAACAAAGAGGAGACGAAGAAAGAAAACAGCTTTGAAATGCAAAAAGGTAGGTT-3'
Protein context (NP_000065.1, residues 88-108): KSQFEGFVKD[Ile98Thr]MLNKEETKKE